The following is an entry in ClinVar:

ClinVar aggregate classification (germline): Likely pathogenic (1 of 4 stars; one submission).

Conditions:
Dilated cardiomyopathy 1G (CMD1G). Identifiers: Orphanet 154, MedGen C1858763, MONDO:0011400, OMIM 604145.
Autosomal recessive limb-girdle muscular dystrophy type 2J (LGMDR10). Also called: Limb-girdle muscular dystrophy, type 2J; MUSCULAR DYSTROPHY, LIMB-GIRDLE, AUTOSOMAL RECESSIVE 10. Identifiers: Orphanet 140922, MedGen C1837342, MONDO:0012127, OMIM 608807.

Submission:

Labcorp Genetics (formerly Invitae), Labcorp
Classification: Likely pathogenic for Dilated cardiomyopathy 1G; Autosomal recessive limb-girdle muscular dystrophy type 2J. Last evaluated: 2024-11-04. Review status: criteria provided, single submitter. Criteria: Invitae Variant Classification Sherloc (09022015). Collection method: clinical testing. Allele origin: germline.
Comment: This sequence change creates a premature translational stop signal (p.Ala832Hisfs*3) in the TTN gene. While this is not anticipated to result in nonsense mediated decay, it is expected to create a truncated TTN protein. This variant is not present in population databases (gnomAD no frequency). This variant has not been reported in the literature in individuals affected with TTN-related conditions. ClinVar contains an entry for this variant (Variation ID: 1355034). Algorithms developed to predict the effect of sequence changes on RNA splicing suggest that this variant may disrupt the consensus splice site. This variant is located in the Z band of TTN (PMID: 25589632). Truncating variants in this region have been reported in individuals affected with autosomal recessive centronuclear myopathy (PMID: 33449170, internal data). Truncating variants in this region have also been identified in individuals affected with autosomal dominant dilated cardiomyopathy and/or cardio-related conditions (PMID: 27869827, 32964742, internal data). In summary, the currently available evidence indicates that the variant is pathogenic, but additional data are needed to prove that conclusively. Therefore, this variant has been classified as Likely Pathogenic.

Literature cited by the submitters: PubMed 25589632; PubMed 33449170; PubMed 27869827; PubMed 32964742.

NC_000002.12:g.178784352del

Gene: TTN (titin; minus strand). Cytogenetic location: 2q31.2.
Variant type: Deletion.
Genome position: GRCh38 VCF-style: chr2-178784350-GC-G. GRCh37 (hg19) VCF-style: chr2-179649077-GC-G.
Identifiers: ClinVar variation 1355034 (VCV001355034.8), dbSNP rs2154350831, ClinGen allele CA2573134005.